The following is an entry in ClinVar:

ClinVar aggregate classification (germline): Uncertain significance. Review status: criteria provided, multiple submitters, no conflicts (2 of 4 stars). 2 submissions from 2 submitters: Uncertain significance (2). Last evaluated 2025-03-05.

gnomAD v4.1: 6 of 1,614,108 alleles (0.00037%); highest among the groups gnomAD compares: Non-Finnish European, 0.00042%; no homozygotes.

Submissions (2):

Labcorp Genetics (formerly Invitae), Labcorp
Classification: Uncertain significance. Last evaluated: 2025-03-05. Review status: criteria provided, single submitter. Criteria: Invitae Variant Classification Sherloc (09022015). Collection method: clinical testing. Allele origin: germline.
Comment: This sequence change replaces arginine, which is basic and polar, with serine, which is neutral and polar, at codon 402 of the ILDR1 protein (p.Arg402Ser). This variant is not present in population databases (gnomAD no frequency). This variant has not been reported in the literature in individuals affected with ILDR1-related conditions. An algorithm developed to predict the effect of missense changes on protein structure and function (PolyPhen-2) suggests that this variant is likely to be tolerated. In summary, the available evidence is currently insufficient to determine the role of this variant in disease. Therefore, it has been classified as a Variant of Uncertain Significance.

GeneDx
Classification: Uncertain significance. Last evaluated: 2024-07-22. Review status: criteria provided, single submitter. Criteria: GeneDx Variant Classification Process June 2021. Collection method: clinical testing. Allele origin: germline. Affected: yes.
Comment: Not observed at significant frequency in large population cohorts (gnomAD); In silico analysis supports that this missense variant has a deleterious effect on protein structure/function; Has not been previously published as pathogenic or benign to our knowledge

NM_001199799.2(ILDR1):c.1206G>T (p.Arg402Ser)

Gene: ILDR1 (immunoglobulin like domain containing receptor 1; minus strand). Cytogenetic location: 3q13.33.
Variant type: single nucleotide variant.
Coding change: c.1206G>T on transcript NM_001199799.2 (MANE Select); coding-DNA position 1206, G replaced by T.
Protein change: p.Arg402Ser; replaces arginine 402 with serine.
Molecular consequence: missense variant.
Genome position (GRCh38, 1-based): chr3:121,993,543, C>A on the plus strand (G>T on the coding strand, the complement: ILDR1 is on the minus strand). VCF-style: chr3-121993543-C-A. GRCh37 (hg19) VCF-style: chr3-121712390-C-A.
Other names: c.939G>T, p.Arg313Ser (NM_001199800.2); c.1074G>T, p.Arg358Ser (NM_175924.4); short protein forms R313S, R358S, R402S.
Identifiers: ClinVar variation 3600743 (VCV003600743.2).
Genomic context (GRCh38, chr3:121,993,543, plus strand): 5'-GCTTAGGCTGTCCCTGTCTGACCAGTGTATGGGTGACCCATTCAGCCTAGAGCTACGGTG[C>A]CTTCCACTCCACGATGGGTCCAACTCCCTTCTTTCCAATGCCCAAGACTTTGGCCCCCGG-3'
Protein context (NP_001186728.1, residues 392-412): RRELDPSWSG[Arg402Ser]HRSSRLNGSP